The following is an entry in ClinVar:

NC_000017.11:g.(?_61685826)_(61686175_?)del

Gene: BRIP1 (BRCA1 interacting DNA helicase 1; minus strand). Cytogenetic location: 17q23.2.
Variant type: Deletion.
Identifiers: ClinVar variation 583421 (VCV000583421.4).

ClinVar aggregate classification (germline): Uncertain significance (1 of 4 stars; one submission).

Conditions:
Familial cancer of breast. Also called: hereditary breast carcinoma; BREAST CANCER, FAMILIAL; Hereditary breast cancer. Identifiers: Orphanet 227535, MedGen C0346153, MONDO:0016419, OMIM 114480. Disease mechanism: loss of function.
Fanconi anemia complementation group J. Also called: BRIP1-Related Fanconi Anemia. Identifiers: Orphanet 84, MedGen C1836860, MONDO:0012187, OMIM 609054.

Submission:

Labcorp Genetics (formerly Invitae), Labcorp
Classification: Uncertain significance for Familial cancer of breast; Fanconi anemia complementation group J. Last evaluated: 2021-02-16. Review status: criteria provided, single submitter. Criteria: Invitae Variant Classification Sherloc (09022015). Collection method: clinical testing. Allele origin: germline.
Comment: In summary, the available evidence is currently insufficient to determine the role of this variant in disease. Therefore, it has been classified as a Variant of Uncertain Significance. This variant has not been reported in the literature in individuals with BRIP1-related disease. This variant is an in-frame deletion of the genomic region encompassing exon 19 of the BRIP1 gene. It preserves the integrity of the reading frame.